The following is an entry in ClinVar:

ClinVar aggregate classification (germline): Uncertain significance (1 of 4 stars; one submission).

Conditions:
Familial thoracic aortic aneurysm and aortic dissection (TAAD). Also called: Thoracic aortic aneurysms and dissections. Identifiers: Orphanet 91387, MedGen C4707243, MONDO:0019625.

gnomAD v4.1: 2 of 1,612,796 alleles (0.00012%); highest among the groups gnomAD compares: Non-Finnish European, 0.00017%; no homozygotes.

Submission:

Ambry Genetics
Classification: Uncertain significance for Familial thoracic aortic aneurysm and aortic dissection. Last evaluated: 2025-10-05. Review status: criteria provided, single submitter. Criteria: Ambry Variant Classification Scheme 2023. Collection method: clinical testing. Allele origin: germline.
Comment: The p.G2292E variant (also known as c.6875G>A), located in coding exon 34 of the NOTCH1 gene, results from a G to A substitution at nucleotide position 6875. The glycine at codon 2292 is replaced by glutamic acid, an amino acid with similar properties. This amino acid position is conserved. In addition, the in silico prediction for this alteration is inconclusive. Based on the available evidence, the clinical significance of this variant remains unclear.

NM_017617.5(NOTCH1):c.6875G>A (p.Gly2292Glu)

Gene: NOTCH1 (notch receptor 1; minus strand). Cytogenetic location: 9q34.3.
Variant type: single nucleotide variant.
Coding change: c.6875G>A on transcript NM_017617.5 (MANE Select); coding-DNA position 6875, G replaced by A.
Protein change: p.Gly2292Glu; replaces glycine 2292 with glutamic acid.
Molecular consequence: missense variant.
Genome position (GRCh38, 1-based): chr9:136,496,864, C>T on the plus strand (G>A on the coding strand, the complement: NOTCH1 is on the minus strand). VCF-style: chr9-136496864-C-T. GRCh37 (hg19) VCF-style: chr9-139391316-C-T.
Other names: short protein forms G2292E.
Identifiers: ClinVar variation 4121675 (VCV004121675.2).